The following is an entry in ClinVar:

NM_006949.4(STXBP2):c.1697-26T>G

Gene: STXBP2 (syntaxin binding protein 2; plus strand). Cytogenetic location: 19p13.2.
Variant type: single nucleotide variant.
Coding change: c.1697-26T>G on transcript NM_006949.4 (MANE Select); 26 bases into the intron before coding-DNA position 1697, T replaced by G.
Molecular consequence: intron variant.
Genome position (GRCh38, 1-based): chr19:7,647,699, T>G. VCF-style: chr19-7647699-T-G. GRCh37 (hg19) VCF-style: chr19-7712585-T-G.
Other names: NC_000019.9:g.7712585T>G; c.1730-26T>G (NM_001272034.2); c.1688-26T>G (NM_001127396.3).
Identifiers: ClinVar variation 260102 (VCV000260102.11), dbSNP rs794073, ClinGen allele CA9144310.

ClinVar aggregate classification (germline): Benign. Review status: criteria provided, multiple submitters, no conflicts (2 of 4 stars). 5 submissions from 5 submitters: Benign (5). Last evaluated 2023-11-12.

Conditions:
Familial hemophagocytic lymphohistiocytosis 5. Also called: STXBP2-Related Familial Hemophagocytic Lymphohistiocytosis (STXBP2-fHLH). Identifiers: Orphanet 540, MedGen C2751293, MONDO:0013135, OMIM 613101.

Allele frequency attached by ClinVar (database versions not stated): ESP Exome Variant Server 0.66638; TOPMed 0.67709; 1000 Genomes Project 30x 0.70097.
gnomAD v4.1: 1,015,408 of 1,612,724 alleles (63%); highest among the groups gnomAD compares: East Asian, 85%; 323,632 homozygotes.

Submissions (6):

Unidad de Genómica Garrahan, Hospital de Pediatría Garrahan
Classification: Benign. Last evaluated: 2023-11-12. Review status: criteria provided, single submitter. Criteria: ACMG Guidelines, 2015. Collection method: clinical testing. Allele origin: germline. Affected: no. Observed: 85 variant alleles.
Comment: This variant is classified as Benign based on local population frequency. This variant was detected in 89% of patients studied by a panel of primary immunodeficiencies. Number of patients: 85. Only high quality variants are reported.

Genome-Nilou Lab
Classification: Benign for Familial hemophagocytic lymphohistiocytosis 5. Last evaluated: 2021-07-15. Review status: criteria provided, single submitter. Criteria: ACMG Guidelines, 2015. Collection method: clinical testing. Allele origin: germline. Affected: no.

GeneDx
Classification: Benign. Last evaluated: 2018-11-12. Review status: criteria provided, single submitter. Criteria: GeneDx Variant Classification Process June 2021. Collection method: clinical testing. Allele origin: germline. Affected: yes.

Breakthrough Genomics
Classification: Benign. Review status: criteria provided, single submitter. Criteria: ACMG Guidelines, 2015. Collection method: not provided. Allele origin: germline. Inheritance: Autosomal recessive inheritance. Affected: yes.

PreventionGenetics, part of Exact Sciences
Classification: Benign. Review status: criteria provided, single submitter. Criteria: ACMG Guidelines, 2015. Collection method: clinical testing. Allele origin: germline.

Dr. Peter K. Rogan Lab, Western University
No classification provided (evidence only). Condition: Familial cancer of breast. Review status: no classification provided. Collection method: in vitro. Allele origin: not applicable. Functional consequence: retained intron. Not counted in ClinVar's aggregate classification.